The following is an entry in ClinVar:

NM_002880.4(RAF1):c.990+133T>C

Gene: RAF1 (Raf-1 proto-oncogene, serine/threonine kinase; minus strand). Cytogenetic location: 3p25.2.
Variant type: single nucleotide variant.
Coding change: c.990+133T>C on transcript NM_002880.4 (MANE Select); 133 bases into the intron after coding-DNA position 990, T replaced by C.
Molecular consequence: intron variant.
Genome position (GRCh38, 1-based): chr3:12,600,019, A>G on the plus strand (T>C on the coding strand, the complement: RAF1 is on the minus strand). VCF-style: chr3-12600019-A-G. GRCh37 (hg19) VCF-style: chr3-12641518-A-G.
Other names: c.648+133T>C (NM_001354695.3); c.747+133T>C (NM_001354692.3, NM_001354691.3); c.807+133T>C (NM_001354694.3); c.891+133T>C (NM_001354693.3); c.1050+133T>C (NM_001354689.3); c.990+133T>C (NM_001354690.3).
Identifiers: ClinVar variation 561368 (VCV000561368.2), dbSNP rs2246390, ClinGen allele CA11603859.

ClinVar aggregate classification (germline): Benign. Review status: criteria provided, multiple submitters, no conflicts (2 of 4 stars). 2 submissions from 2 submitters: Benign (2). Last evaluated 2018-06-14.

Allele frequency attached by ClinVar (database versions not stated): 1000 Genomes Project 0.53854; 1000 Genomes Project 30x 0.55715; gnomAD 0.64584 and 0.66931; TOPMed 0.66589.
gnomAD v4.1: 803,517 of 1,426,404 alleles (56%); highest among the groups gnomAD compares: African/African-American, 91%; 239,414 homozygotes.

Submissions (2):

GeneDx
Classification: Benign. Last evaluated: 2018-06-14. Review status: criteria provided, single submitter. Criteria: GeneDx Variant Classification (06012015). Collection method: clinical testing. Allele origin: germline. Affected: yes.
Comment: This variant is considered likely benign or benign based on one or more of the following criteria: it is a conservative change, it occurs at a poorly conserved position in the protein, it is predicted to be benign by multiple in silico algorithms, and/or has population frequency not consistent with disease.

Breakthrough Genomics
Classification: Benign. Review status: criteria provided, single submitter. Criteria: ACMG Guidelines, 2015. Collection method: not provided. Allele origin: germline. Inheritance: Autosomal dominant inheritance. Affected: yes.